The following is an entry in ClinVar:

ClinVar aggregate classification (germline): Uncertain significance (1 of 4 stars; one submission).

Submission:

GeneDx
Classification: Uncertain significance. Last evaluated: 2024-02-18. Review status: criteria provided, single submitter. Criteria: GeneDx Variant Classification Process June 2021. Collection method: clinical testing. Allele origin: germline. Affected: yes.
Comment: Not observed at significant frequency in large population cohorts (gnomAD); In silico analysis supports that this missense variant does not alter protein structure/function; Has not been previously published as pathogenic or benign to our knowledge

NM_001287491.2(TET3):c.372G>C (p.Glu124Asp)

Gene: TET3 (tet methylcytosine dioxygenase 3; plus strand). Cytogenetic location: 2p13.1.
Variant type: single nucleotide variant.
Coding change: c.372G>C on transcript NM_001287491.2 (MANE Select); coding-DNA position 372, G replaced by C.
Protein change: p.Glu124Asp; replaces glutamic acid 124 with aspartic acid.
Molecular consequence: missense variant.
Genome position (GRCh38, 1-based): chr2:74,046,289, G>C. VCF-style: chr2-74046289-G-C. GRCh37 (hg19) VCF-style: chr2-74273416-G-C.
Other names: c.93G>C, p.Glu31Asp (NM_001366022.1); short protein forms E124D, E31D.
Identifiers: ClinVar variation 3369293 (VCV003369293.1).